The following is an entry in ClinVar:

NM_001606.5(ABCA2):c.160+9G>A

Gene: ABCA2 (ATP binding cassette subfamily A member 2; minus strand). Cytogenetic location: 9q34.3.
Variant type: single nucleotide variant.
Coding change: c.160+9G>A on transcript NM_001606.5 (MANE Select); 9 bases into the intron after coding-DNA position 160, G replaced by A.
Molecular consequence: intron variant.
Genome position (GRCh38, 1-based): chr9:137,024,134, C>T on the plus strand (G>A on the coding strand, the complement: ABCA2 is on the minus strand). VCF-style: chr9-137024134-C-T. GRCh37 (hg19) VCF-style: chr9-139918586-C-T.
Other names: c.250+9G>A (NM_212533.3); c.160+9G>A (NM_001411042.1).
Identifiers: ClinVar variation 3035011 (VCV003035011.3), dbSNP rs111334624, ClinGen allele CA5355997.

ClinVar aggregate classification (germline): Likely benign. Review status: criteria provided, single submitter (1 of 4 stars). 2 submissions from 2 submitters: Likely benign (1). 1 of the submissions does not count toward it. Last evaluated 2024-06-24.

Conditions:
ABCA2-related disorder. Also called: ABCA2-related condition.

Allele frequency attached by ClinVar (database versions not stated): 1000 Genomes Project 30x 0.00016; ESP Exome Variant Server 0.00016.
gnomAD v4.1: 408 of 1,603,774 alleles (0.025%); highest among the groups gnomAD compares: African/African-American, 0.095%; 1 homozygote.

Submissions (2):

Blueprint Genetics
Classification: Likely benign. Last evaluated: 2024-06-24. Review status: criteria provided, single submitter. Criteria: ACMG Guidelines, 2015. Collection method: clinical testing. Allele origin: germline.

PreventionGenetics, part of Exact Sciences
Classification: Likely benign for ABCA2-related condition. Last evaluated: 2019-08-01. Review status: no assertion criteria provided. Collection method: clinical testing. Allele origin: germline. Not counted in ClinVar's aggregate classification.
Comment: This variant is classified as likely benign based on ACMG/AMP sequence variant interpretation guidelines (Richards et al. 2015 PMID: 25741868, with internal and published modifications).